The following is an entry in ClinVar:

NM_177438.3(DICER1):c.2686T>G (p.Phe896Val)

Gene: DICER1 (dicer 1, ribonuclease III; minus strand). Cytogenetic location: 14q32.13.
Variant type: single nucleotide variant.
Coding change: c.2686T>G on transcript NM_177438.3 (MANE Select); coding-DNA position 2686, T replaced by G.
Protein change: p.Phe896Val; replaces phenylalanine 896 with valine.
Molecular consequence: missense variant. On other transcripts: non-coding transcript variant (6).
Genome position (GRCh38, 1-based): chr14:95,107,726, A>C on the plus strand (T>G on the coding strand, the complement: DICER1 is on the minus strand). VCF-style: chr14-95107726-A-C. GRCh37 (hg19) VCF-style: chr14-95574063-A-C.
Other names: c.2686T>G, p.Phe896Val (NM_001195573.1, NM_001271282.3, NM_001291628.2 and 13 more transcripts); c.2404T>G, p.Phe802Val (NM_001395686.1); c.2281T>G, p.Phe761Val (NM_001395687.1, NM_001395688.1, NM_001395689.1 and 2 more transcripts); c.2119T>G, p.Phe707Val (NM_001395691.1); c.1003T>G, p.Phe335Val (NM_001395697.1); short protein forms F335V, F707V, F761V, F802V, F896V.
Identifiers: ClinVar variation 2586413 (VCV002586413.2), dbSNP rs2542831805, ClinGen allele CA390879714.
Genomic context (GRCh38, chr14:95,107,726, plus strand): 5'-TTGTATACTTTGTACTGGGAATGCCTATGCGAGCTTCAGACTTCTCAATATCTTCCATGA[A>C]TTTAAAGTCAATATCCAAAGTGCTGGAGTCATTAACTTAGAAGAGAAAAACGACTCTTTA-3'
Protein context (NP_803187.1, residues 886-906): DSSTLDIDFK[Phe896Val]MEDIEKSEAR

ClinVar aggregate classification (germline): Uncertain significance (1 of 4 stars; one submission).

Conditions:
Hereditary cancer-predisposing syndrome. Also called: Hereditary neoplastic syndrome; Tumor predisposition; Hereditary Cancer Syndrome; Neoplastic Syndromes, Hereditary. Identifiers: Orphanet 140162, MedGen C0027672, MeSH D009386, MONDO:0015356.

Allele frequency attached by ClinVar (database versions not stated): gnomAD exomes below 0.00001.

Submission:

Ambry Genetics
Classification: Uncertain significance for Hereditary cancer-predisposing syndrome. Last evaluated: 2023-08-03. Review status: criteria provided, single submitter. Criteria: Ambry Variant Classification Scheme 2023. Collection method: clinical testing. Allele origin: germline.
Comment: The p.F896V variant (also known as c.2686T>G), located in coding exon 16 of the DICER1 gene, results from a T to G substitution at nucleotide position 2686. The phenylalanine at codon 896 is replaced by valine, an amino acid with highly similar properties. This amino acid position is highly conserved in available vertebrate species. In addition, the in silico prediction for this alteration is inconclusive. Since supporting evidence is limited at this time, the clinical significance of this alteration remains unclear.